The following is an entry in ClinVar:

NM_001195129.2(PRSS56):c.1774C>A (p.Pro592Thr)

Gene: PRSS56 (serine protease 56; plus strand). Cytogenetic location: 2q37.1.
Variant type: single nucleotide variant.
Coding change: c.1774C>A on transcript NM_001195129.2 (MANE Select); coding-DNA position 1774, C replaced by A.
Protein change: p.Pro592Thr; replaces proline 592 with threonine.
Molecular consequence: missense variant.
Genome position (GRCh38, 1-based): chr2:232,525,468, C>A. VCF-style: chr2-232525468-C-A. GRCh37 (hg19) VCF-style: chr2-233390178-C-A.
Other names: c.1777C>A, p.Pro593Thr (NM_001369848.1); short protein forms P592T, P593T.
Identifiers: ClinVar variation 1714091 (VCV001714091.5), dbSNP rs2469708907, ClinGen allele CA350995469.
Genomic context (GRCh38, chr2:232,525,468, plus strand): 5'-CCCGAGGGACCCTGGATGGATGTAGGGCAGGGGCCCGGGCTGGAGAGGAAGGGGCACCAC[C>A]CACTCAACCCTCAGGTACCCCCCGCCAGGCAACCCTGAGCCATGTCTGGGCCCCCAGCCC-3'
Protein context (NP_001182058.1, residues 582-602): GPGLERKGHH[Pro592Thr]LNPQVPPARQ

ClinVar aggregate classification (germline): Uncertain significance (1 of 4 stars; one submission).

Conditions:
Isolated microphthalmia 6. Also called: MICROPHTHALMIA, POSTERIOR NONSYNDROMIC. Identifiers: Orphanet 2542, MedGen C3150757, MONDO:0013293, OMIM 613517.

Submission:

Labcorp Genetics (formerly Invitae), Labcorp
Classification: Uncertain significance for Isolated microphthalmia 6. Last evaluated: 2022-08-21. Review status: criteria provided, single submitter. Criteria: Invitae Variant Classification Sherloc (09022015). Collection method: clinical testing. Allele origin: germline.
Comment: In summary, the available evidence is currently insufficient to determine the role of this variant in disease. Therefore, it has been classified as a Variant of Uncertain Significance. Algorithms developed to predict the effect of missense changes on protein structure and function are either unavailable or do not agree on the potential impact of this missense change (SIFT: "Tolerated"; PolyPhen-2: "Not Available"; Align-GVGD: "Class C0"). This variant has not been reported in the literature in individuals affected with PRSS56-related conditions. This variant is not present in population databases (gnomAD no frequency). This sequence change replaces proline, which is neutral and non-polar, with threonine, which is neutral and polar, at codon 592 of the PRSS56 protein (p.Pro592Thr).